The following is an entry in ClinVar:

ClinVar aggregate classification (germline): Uncertain significance (1 of 4 stars; one submission).

Conditions:
Myofibrillar myopathy 6. Identifiers: Orphanet 199340, MedGen C2751831, MONDO:0013061, OMIM 612954.
Dilated cardiomyopathy 1HH (CMD1HH). Identifiers: Orphanet 154, MedGen C3151293, MONDO:0013479, OMIM 613881.

Allele frequency attached by ClinVar (database versions not stated): gnomAD exomes below 0.00001; gnomAD 0.00001; TOPMed 0.00001.
gnomAD v4.1: 2 of 1,614,024 alleles (0.00012%); highest among the groups gnomAD compares: East Asian, 0.0045%; no homozygotes.

Submission:

Labcorp Genetics (formerly Invitae), Labcorp
Classification: Uncertain significance for Dilated cardiomyopathy 1HH; Myofibrillar myopathy 6. Last evaluated: 2021-08-24. Review status: criteria provided, single submitter. Criteria: Invitae Variant Classification Sherloc (09022015). Collection method: clinical testing. Allele origin: germline.
Comment: This sequence change replaces threonine with lysine at codon 555 of the BAG3 protein (p.Thr555Lys). The threonine residue is weakly conserved and there is a moderate physicochemical difference between threonine and lysine. This variant is not present in population databases (ExAC no frequency). This variant has not been reported in the literature in individuals affected with BAG3-related conditions. Algorithms developed to predict the effect of missense changes on protein structure and function output the following: SIFT: "Tolerated"; PolyPhen-2: "Not Available"; Align-GVGD: "Class C0". The lysine amino acid residue is found in multiple mammalian species, which suggests that this missense change does not adversely affect protein function. In summary, the available evidence is currently insufficient to determine the role of this variant in disease. Therefore, it has been classified as a Variant of Uncertain Significance.

NM_004281.4(BAG3):c.1664C>A (p.Thr555Lys)

Gene: BAG3 (BAG cochaperone 3; plus strand). Cytogenetic location: 10q26.11.
Variant type: single nucleotide variant.
Coding change: c.1664C>A on transcript NM_004281.4 (MANE Select); coding-DNA position 1664, C replaced by A.
Protein change: p.Thr555Lys; replaces threonine 555 with lysine.
Molecular consequence: missense variant.
Genome position (GRCh38, 1-based): chr10:119,677,218, C>A. VCF-style: chr10-119677218-C-A. GRCh37 (hg19) VCF-style: chr10-121436730-C-A.
Other names: short protein forms T555K.
Identifiers: ClinVar variation 1008458 (VCV001008458.6), dbSNP rs1322157514, ClinGen allele CA378297809.